The following is an entry in ClinVar:

ClinVar aggregate classification (germline): Benign/Likely benign. Review status: criteria provided, multiple submitters, no conflicts (2 of 4 stars). 10 submissions from 10 submitters: Benign (1); Likely benign (9). Last evaluated 2025-11-09.

Conditions:
STK11-related disorder. Also called: STK11-related condition.
Hereditary cancer-predisposing syndrome. Also called: Tumor predisposition; Hereditary neoplastic syndrome; Neoplastic Syndromes, Hereditary; Hereditary Cancer Syndrome. Identifiers: Orphanet 140162, MedGen C0027672, MeSH D009386, MONDO:0015356.
Peutz-Jeghers syndrome (PJS). Also called: POLYPOSIS, HAMARTOMATOUS INTESTINAL; POLYPS-AND-SPOTS SYNDROME; Peutz-Jeghers polyposis; Periorificial lentiginosis syndrome. Identifiers: Orphanet 2869, MedGen C0031269, MeSH D010580, MONDO:0008280, OMIM 175200.

Allele frequency attached by ClinVar (database versions not stated): ExAC 0.00001; gnomAD 0.00001 and 0.00002; TOPMed 0.00001; 1000 Genomes Project 30x 0.00016; 1000 Genomes Project 0.00020.
gnomAD v4.1: 10 of 1,611,812 alleles (0.00062%); highest among the groups gnomAD compares: African/African-American, 0.0027%; no homozygotes.

Submissions (10):

Labcorp Genetics (formerly Invitae), Labcorp
Classification: Likely benign for Peutz-Jeghers syndrome. Last evaluated: 2025-11-09. Review status: criteria provided, single submitter. Criteria: Invitae Variant Classification Sherloc (09022015). Collection method: clinical testing. Allele origin: germline.

Myriad Genetics, Inc.
Classification: Benign for Peutz-Jeghers syndrome. Last evaluated: 2025-03-27. Review status: criteria provided, single submitter. Criteria: Myriad Autosomal Dominant, Autosomal Recessive and X-Linked Classification Criteria (2023). Collection method: clinical testing. Allele origin: unknown.
Comment: This variant is considered benign. This variant is a silent/synonymous amino acid change and it is not expected to impact splicing.

PreventionGenetics, part of Exact Sciences
Classification: Likely benign for STK11-related condition. Last evaluated: 2024-11-03. Review status: criteria provided, single submitter. Criteria: ACMG Guidelines, 2015. Collection method: clinical testing. Allele origin: germline.
Comment: This variant is classified as likely benign based on ACMG/AMP sequence variant interpretation guidelines (Richards et al. 2015 PMID: 25741868, with internal and published modifications).

All of Us Research Program, National Institutes of Health
Classification: Likely benign for Peutz-Jeghers syndrome. Last evaluated: 2023-06-08. Review status: criteria provided, single submitter. Criteria: ACMG Guidelines, 2015. Collection method: clinical testing. Allele origin: germline. Inheritance: Autosomal dominant inheritance. Observed: 2 variant alleles, 2 heterozygotes.
Comment: This study involves interpretation of variants in research participants for the purpose of population health screening. Participant phenotype was not available at the time of variant classification. Additional details can be found in publication PMID: 35346344, PMCID: PMC8962531

Sema4
Classification: Likely benign for Hereditary cancer-predisposing syndrome. Last evaluated: 2021-08-03. Review status: criteria provided, single submitter. Criteria: Sema4 Curation Guidelines. Collection method: curation. Allele origin: germline.

Blueprint Genetics
Classification: Likely benign. Last evaluated: 2020-11-04. Review status: criteria provided, single submitter. Criteria: ACMG Guidelines, 2015. Collection method: clinical testing. Allele origin: germline.

GeneDx
Classification: Likely benign. Last evaluated: 2019-03-29. Review status: criteria provided, single submitter. Criteria: GeneDx Variant Classification Process June 2021. Collection method: clinical testing. Allele origin: germline. Affected: yes.
Comment: This variant is associated with the following publications: (PMID: 30287823)

Quest Diagnostics Nichols Institute San Juan Capistrano
Classification: Likely benign. Last evaluated: 2019-03-06. Review status: criteria provided, single submitter. Criteria: Quest Diagnostics criteria. Collection method: clinical testing. Allele origin: germline.

Color Diagnostics, LLC DBA Color Health
Classification: Likely benign for Hereditary cancer-predisposing syndrome. Last evaluated: 2017-12-07. Review status: criteria provided, single submitter. Criteria: ACMG Guidelines, 2015. Collection method: clinical testing. Allele origin: germline.

Ambry Genetics
Classification: Likely benign for Hereditary cancer-predisposing syndrome. Last evaluated: 2016-08-31. Review status: criteria provided, single submitter. Criteria: Ambry Variant Classification Scheme 2023. Collection method: clinical testing. Allele origin: germline.

Literature cited by the submitters: PubMed 30287823 (cited by Quest Diagnostics Nichols Institute San Juan Capistrano).

NM_000455.5(STK11):c.801C>T (p.Ile267=)

Gene: STK11 (serine/threonine kinase 11; plus strand). Cytogenetic location: 19p13.3.
Variant type: single nucleotide variant.
Coding change: c.801C>T on transcript NM_000455.5 (MANE Select); coding-DNA position 801, C replaced by T.
Protein change: p.Ile267=; no amino-acid change (isoleucine 267 retained).
Molecular consequence: synonymous variant.
Genome position (GRCh38, 1-based): chr19:1,221,279, C>T. VCF-style: chr19-1221279-C-T. GRCh37 (hg19) VCF-style: chr19-1221278-C-T.
Identifiers: ClinVar variation 458064 (VCV000458064.26), dbSNP rs539772540, ClinGen allele CA048991.
Genomic context (GRCh38, chr19:1,221,279, plus strand): 5'-CATCACCACGGGTCTGTACCCCTTCGAAGGGGACAACATCTACAAGTTGTTTGAGAACAT[C>T]GGGAAGGGGAGCTACGCCATCCCGGGCGACTGTGGCCCCCCGCTCTCTGACCTGCTGAAA-3'
Protein context (NP_000446.1, residues 257-277): GDNIYKLFEN[Ile267=]GKGSYAIPGD